The following is an entry in ClinVar:

ClinVar aggregate classification (germline): Likely benign. Review status: criteria provided, single submitter (1 of 4 stars). 2 submissions from 2 submitters: Likely benign (1). 1 of the submissions does not count toward it. Last evaluated 2025-08-26.

Conditions:
RBFOX1-related disorder. Also called: RBFOX1-related condition.
Idiopathic generalized epilepsy. Also called: Generalised epilepsy; EIG. Identifiers: MedGen C0270850, MONDO:0005579, OMIM 600669.

Allele frequency attached by ClinVar (database versions not stated): gnomAD 0.00003 and 0.00004; TOPMed 0.00012; ExAC 0.00021; gnomAD exomes 0.00027.
gnomAD v4.1: 83 of 1,613,586 alleles (0.0051%); highest among the groups gnomAD compares: Admixed American, 0.14%; no homozygotes.

Submissions (2):

Labcorp Genetics (formerly Invitae), Labcorp
Classification: Likely benign for Idiopathic generalized epilepsy. Last evaluated: 2025-08-26. Review status: criteria provided, single submitter. Criteria: Invitae Variant Classification Sherloc (09022015). Collection method: clinical testing. Allele origin: germline.

PreventionGenetics, part of Exact Sciences
Classification: Likely benign for RBFOX1-related condition. Last evaluated: 2023-03-08. Review status: no assertion criteria provided. Collection method: clinical testing. Allele origin: germline. Not counted in ClinVar's aggregate classification.
Comment: This variant is classified as likely benign based on ACMG/AMP sequence variant interpretation guidelines (Richards et al. 2015 PMID: 25741868, with internal and published modifications).

NM_018723.4(RBFOX1):c.220G>C (p.Glu74Gln)

Gene: RBFOX1 (RNA binding fox-1 homolog 1; plus strand). Cytogenetic location: 16p13.3.
Variant type: single nucleotide variant.
Coding change: c.220G>C on transcript NM_018723.4 (MANE Select); coding-DNA position 220, G replaced by C.
Protein change: p.Glu74Gln; replaces glutamic acid 74 with glutamine.
Molecular consequence: missense variant.
Genome position (GRCh38, 1-based): chr16:7,518,339, G>C. VCF-style: chr16-7518339-G-C. GRCh37 (hg19) VCF-style: chr16-7568341-G-C.
Other names: c.220G>C, p.Glu74Gln (NM_001142333.2, NM_001142334.2, NM_001364800.2); c.349G>C, p.Glu117Gln (NM_001308117.1); c.280G>C, p.Glu94Gln (NM_145891.3, NM_145892.3, NM_145893.3); short protein forms E74Q, E94Q, E117Q.
Identifiers: ClinVar variation 415960 (VCV000415960.14), dbSNP rs748804086, ClinGen allele CA7891365.